The following is an entry in ClinVar:

NM_018489.3(ASH1L):c.2268G>C (p.Glu756Asp)

Gene: ASH1L (ASH1 like histone lysine methyltransferase; minus strand). Cytogenetic location: 1q22.
Variant type: single nucleotide variant.
Coding change: c.2268G>C on transcript NM_018489.3 (MANE Select); coding-DNA position 2268, G replaced by C.
Protein change: p.Glu756Asp; replaces glutamic acid 756 with aspartic acid.
Molecular consequence: missense variant.
Genome position (GRCh38, 1-based): chr1:155,480,602, C>G on the plus strand (G>C on the coding strand, the complement: ASH1L is on the minus strand). VCF-style: chr1-155480602-C-G. GRCh37 (hg19) VCF-style: chr1-155450393-C-G.
Other names: c.2268G>C, p.Glu756Asp (NM_001366177.2); short protein forms E756D.
Identifiers: ClinVar variation 1327683 (VCV001327683.4), dbSNP rs2148727190, ClinGen allele CA342726168.

ClinVar aggregate classification (germline): Uncertain significance (1 of 4 stars; one submission).

Conditions:
Intellectual developmental disorder, autosomal dominant 52. Also called: Intellectual disability, autosomal dominant 52; Mental retardation, autosomal dominant 52. Identifiers: MedGen C4540478, MONDO:0030918, OMIM 617796.

Submission:

GeneDx
Classification: Uncertain significance. Last evaluated: 2021-04-14. Review status: criteria provided, single submitter. Criteria: GeneDx Variant Classification Process June 2021. Collection method: clinical testing. Allele origin: germline. Affected: yes.
Comment: Not observed in large population cohorts (Lek et al., 2016); In silico analysis supports that this missense variant does not alter protein structure/function; Has not been previously published as pathogenic or benign to our knowledge